The following is an entry in ClinVar:

ClinVar aggregate classification (germline): Uncertain significance (1 of 4 stars; one submission).

Conditions:
Autosomal dominant epilepsy with auditory features. Identifiers: Orphanet 101046, MedGen C1838062, MONDO:0010898.

Submission:

Labcorp Genetics (formerly Invitae), Labcorp
Classification: Uncertain significance for Autosomal dominant epilepsy with auditory features. Last evaluated: 2024-05-05. Review status: criteria provided, single submitter. Criteria: Invitae Variant Classification Sherloc (09022015). Collection method: clinical testing. Allele origin: germline.
Comment: This sequence change replaces glycine, which is neutral and non-polar, with arginine, which is basic and polar, at codon 461 of the LGI1 protein (p.Gly461Arg). This variant is not present in population databases (gnomAD no frequency). This variant has not been reported in the literature in individuals affected with LGI1-related conditions. Advanced modeling of protein sequence and biophysical properties (such as structural, functional, and spatial information, amino acid conservation, physicochemical variation, residue mobility, and thermodynamic stability) performed at Invitae indicates that this missense variant is not expected to disrupt LGI1 protein function with a negative predictive value of 80%. In summary, the available evidence is currently insufficient to determine the role of this variant in disease. Therefore, it has been classified as a Variant of Uncertain Significance.

NM_005097.4(LGI1):c.1381G>A (p.Gly461Arg)

Gene: LGI1 (leucine rich glioma inactivated 1; plus strand). Cytogenetic location: 10q23.33.
Variant type: single nucleotide variant.
Coding change: c.1381G>A on transcript NM_005097.4 (MANE Select); coding-DNA position 1381, G replaced by A.
Protein change: p.Gly461Arg; replaces glycine 461 with arginine.
Molecular consequence: missense variant. On other transcripts: non-coding transcript variant (1), intron variant (1).
Genome position (GRCh38, 1-based): chr10:93,797,510, G>A. VCF-style: chr10-93797510-G-A. GRCh37 (hg19) VCF-style: chr10-95557267-G-A.
Other names: c.1237G>A, p.Gly413Arg (NM_001308276.2); c.839-239G>A (NM_001308275.2); short protein forms G413R, G461R.
Identifiers: ClinVar variation 2782285 (VCV002782285.3), dbSNP rs2492919674, ClinGen allele CA377629438.